The following is an entry in ClinVar:

NM_014049.5(ACAD9):c.43C>T (p.Arg15Cys)

Gene: ACAD9 (acyl-CoA dehydrogenase family member 9; plus strand). Cytogenetic location: 3q21.3.
Variant type: single nucleotide variant.
Coding change: c.43C>T on transcript NM_014049.5 (MANE Select); coding-DNA position 43, C replaced by T.
Protein change: p.Arg15Cys; replaces arginine 15 with cysteine.
Molecular consequence: missense variant. On other transcripts: non-coding transcript variant (1).
Genome position (GRCh38, 1-based): chr3:128,879,734, C>T. VCF-style: chr3-128879734-C-T. GRCh37 (hg19) VCF-style: chr3-128598577-C-T.
Other names: short protein forms R15C.
Identifiers: ClinVar variation 1493882 (VCV001493882.6), dbSNP rs745759890, ClinGen allele CA2601006.

ClinVar aggregate classification (germline): Likely pathogenic (1 of 4 stars; one submission).

Allele frequency attached by ClinVar (database versions not stated): TOPMed 0.00001; ExAC 0.00002; gnomAD exomes 0.00002.
gnomAD v4.1: 28 of 1,612,892 alleles (0.0017%); highest among the groups gnomAD compares: Middle Eastern, 0.017%; no homozygotes.

Submission:

Labcorp Genetics (formerly Invitae), Labcorp
Classification: Likely pathogenic. Last evaluated: 2024-10-23. Review status: criteria provided, single submitter. Criteria: Invitae Variant Classification Sherloc (09022015). Collection method: clinical testing. Allele origin: germline.
Comment: This sequence change replaces arginine, which is basic and polar, with cysteine, which is neutral and slightly polar, at codon 15 of the ACAD9 protein (p.Arg15Cys). This variant is present in population databases (rs745759890, gnomAD 0.007%). This missense change has been observed in individual(s) with clinical features of mitochondrial complex I deficiency (internal data). In at least one individual the data is consistent with being in trans (on the opposite chromosome) from a pathogenic variant. ClinVar contains an entry for this variant (Variation ID: 1493882). Invitae Evidence Modeling of protein sequence and biophysical properties (such as structural, functional, and spatial information, amino acid conservation, physicochemical variation, residue mobility, and thermodynamic stability) has been performed for this missense variant. However, the output from this modeling did not meet the statistical confidence thresholds required to predict the impact of this variant on ACAD9 protein function. In summary, the currently available evidence indicates that the variant is pathogenic, but additional data are needed to prove that conclusively. Therefore, this variant has been classified as Likely Pathogenic.